The following is an entry in ClinVar:

NM_006648.4(WNK2):c.628T>C (p.Tyr210His)

Gene: WNK2 (WNK lysine deficient protein kinase 2; plus strand). Cytogenetic location: 9q22.31.
Variant type: single nucleotide variant.
Coding change: c.628T>C on transcript NM_006648.4 (MANE Select); coding-DNA position 628, T replaced by C.
Protein change: p.Tyr210His; replaces tyrosine 210 with histidine.
Molecular consequence: missense variant.
Genome position (GRCh38, 1-based): chr9:93,185,557, T>C. VCF-style: chr9-93185557-T-C. GRCh37 (hg19) VCF-style: chr9-95947839-T-C.
Other names: c.628T>C, p.Tyr210His (NM_001282394.3); short protein forms Y210H.
Identifiers: ClinVar variation 4844858 (VCV004844858.1).

ClinVar aggregate classification (germline): Uncertain significance (1 of 4 stars; one submission).

Submission:

Ambry Genetics
Classification: Uncertain significance. Last evaluated: 2026-01-18. Review status: criteria provided, single submitter. Criteria: Ambry Variant Classification Scheme 2023. Collection method: clinical testing. Allele origin: germline.
Comment: The p.Y210H variant (also known as c.628T>C), located in coding exon 1 of the WNK2 gene, results from a T to C substitution at nucleotide position 628. The tyrosine at codon 210 is replaced by histidine, an amino acid with similar properties. This amino acid position is conserved. In addition, the in silico prediction for this alteration is inconclusive. Based on the available evidence, the clinical significance of this variant remains unclear.